The following is an entry in ClinVar:

NM_001001548.3(CD36):c.421G>A (p.Ala141Thr)

Gene: CD36 (CD36 molecule (CD36 blood group); plus strand). Cytogenetic location: 7q21.11.
Variant type: single nucleotide variant.
Coding change: c.421G>A on transcript NM_001001548.3 (MANE Select); coding-DNA position 421, G replaced by A.
Protein change: p.Ala141Thr; replaces alanine 141 with threonine.
Molecular consequence: missense variant. On other transcripts: 5 prime UTR variant (2), non-coding transcript variant (1).
Genome position (GRCh38, 1-based): chr7:80,661,202, G>A. VCF-style: chr7-80661202-G-A. GRCh37 (hg19) VCF-style: chr7-80290518-G-A.
Other names: c.421G>A, p.Ala141Thr (NM_001371078.1, NM_000072.3, NM_001001547.3 and 7 more transcripts); c.319G>A, p.Ala107Thr (NM_001371079.1); c.-45G>A (NM_001371080.1); c.-62G>A (NM_001371081.1); c.193G>A, p.Ala65Thr (NM_001289911.2); short protein forms A107T, A141T, A65T.
Identifiers: ClinVar variation 4535975 (VCV004535975.1).

ClinVar aggregate classification (germline): Uncertain significance (1 of 4 stars; one submission).

Submission:

Women's Health and Genetics/Laboratory Corporation of America, LabCorp
Classification: Uncertain significance. Last evaluated: 2025-09-24. Review status: criteria provided, single submitter. Criteria: LabCorp Variant Classification Summary - May 2015. Collection method: clinical testing. Allele origin: germline.
Comment: Variant summary: CD36 c.421G>A (p.Ala141Thr) results in a non-conservative amino acid change in the encoded protein sequence. Algorithms developed to predict the effect of missense changes on protein structure and function all suggest that this variant is likely to be disruptive. The variant was absent in 250964 control chromosomes. The available data on variant occurrences in the general population are insufficient to allow any conclusion about variant significance. To our knowledge, no occurrence of c.421G>A in individuals affected with CD36-related conditions and no experimental evidence demonstrating its impact on protein function have been reported. No submitters have cited clinical-significance assessments for this variant to ClinVar. Based on the evidence outlined above, the variant was classified as uncertain significance.